The following is an entry in ClinVar:

NM_001387777.1(TNS1):c.3175G>A (p.Ala1059Thr)

Gene: TNS1 (tensin 1; minus strand). Cytogenetic location: 2q35.
Variant type: single nucleotide variant.
Coding change: c.3175G>A on transcript NM_001387777.1 (MANE Select); coding-DNA position 3175, G replaced by A.
Protein change: p.Ala1059Thr; replaces alanine 1059 with threonine.
Molecular consequence: missense variant.
Genome position (GRCh38, 1-based): chr2:217,836,044, C>T on the plus strand (G>A on the coding strand, the complement: TNS1 is on the minus strand). VCF-style: chr2-217836044-C-T. GRCh37 (hg19) VCF-style: chr2-218700767-C-T.
Other names: c.2800G>A, p.Ala934Thr (NM_001308022.2, NM_001308023.2, NM_022648.7); short protein forms A1059T, A934T.
Identifiers: ClinVar variation 3053894 (VCV003053894.2), dbSNP rs143523583, ClinGen allele CA2100025.

ClinVar aggregate classification (germline): Likely benign (0 of 4 stars; one submission).

Conditions:
TNS1-related disorder. Also called: TNS1-related condition.

Allele frequency attached by ClinVar (database versions not stated): ESP Exome Variant Server 0.00062; 1000 Genomes Project 0.00100; 1000 Genomes Project 30x 0.00125.

Submission:

PreventionGenetics, part of Exact Sciences
Classification: Likely benign for TNS1-related condition. Last evaluated: 2022-04-28. Review status: no assertion criteria provided. Collection method: clinical testing. Allele origin: germline.
Comment: This variant is classified as likely benign based on ACMG/AMP sequence variant interpretation guidelines (Richards et al. 2015 PMID: 25741868, with internal and published modifications).